The following is an entry in ClinVar:

NM_138959.3(VANGL1):c.*3150T>C

Gene: VANGL1 (VANGL planar cell polarity protein 1; plus strand). Cytogenetic location: 1p13.1.
Variant type: single nucleotide variant.
Coding change: c.*3150T>C on transcript NM_138959.3 (MANE Select); 3150 bases downstream of the stop codon, T replaced by C.
Molecular consequence: 3 prime UTR variant.
Genome position (GRCh38, 1-based): chr1:115,694,529, T>C. VCF-style: chr1-115694529-T-C. GRCh37 (hg19) VCF-style: chr1-116237150-T-C.
Other names: c.*3150T>C (NM_001172411.2, NM_001172412.2).
Identifiers: ClinVar variation 876735 (VCV000876735.4), dbSNP rs148126079, ClinGen allele CA29599510.

ClinVar aggregate classification (germline): Conflicting classifications of pathogenicity. Review status: criteria provided, conflicting classifications (1 of 4 stars). 2 submissions from 1 submitter: Uncertain significance (1); Benign (1). Last evaluated 2018-01-13.

Conditions:
Neural tube defect (NTD). Also called: Neural tube defects. Identifiers: Orphanet 3388, Orphanet 823, MedGen C0027794, MONDO:0018075, HP:0045005.
Sacral defect with anterior meningocele. Identifiers: MedGen C1838568, OMIM 600145.

Allele frequency attached by ClinVar (database versions not stated): gnomAD 0.00001 and 0.00003; TOPMed 0.00001; 1000 Genomes Project 30x 0.00031; 1000 Genomes Project 0.00040.

Submissions (2):

Illumina Laboratory Services, Illumina
Classification: Benign for Sacral defect with anterior meningocele. Last evaluated: 2018-01-13. Review status: criteria provided, single submitter. Criteria: ICSL Variant Classification Criteria 13 December 2019. Collection method: clinical testing. Allele origin: germline.
Comment: This variant was observed in the ICSL laboratory as part of a predisposition screen in an ostensibly healthy population. It had not been previously curated by ICSL or reported in the Human Gene Mutation Database (HGMD: prior to June 1st, 2018), and was therefore a candidate for classification through an automated scoring system. Utilizing variant allele frequency, disease prevalence and penetrance estimates, and inheritance mode, an automated score was calculated to assess if this variant is too frequent to cause the disease. Based on the score and internal cut-off values, a variant classified as benign is not then subjected to further curation. The score for this variant resulted in a classification of benign for this disease.

Illumina Laboratory Services, Illumina
Classification: Uncertain significance for Neural tube defects, susceptibility to. Last evaluated: 2018-01-13. Review status: criteria provided, single submitter. Criteria: ICSL Variant Classification Criteria 13 December 2019. Collection method: clinical testing. Allele origin: germline.